The following is an entry in ClinVar:

NM_177438.3(DICER1):c.2297A>G (p.Gln766Arg)

Gene: DICER1 (dicer 1, ribonuclease III; minus strand). Cytogenetic location: 14q32.13.
Variant type: single nucleotide variant.
Coding change: c.2297A>G on transcript NM_177438.3 (MANE Select); coding-DNA position 2297, A replaced by G.
Protein change: p.Gln766Arg; replaces glutamine 766 with arginine.
Molecular consequence: missense variant.
Genome position (GRCh38, 1-based): chr14:95,108,463, T>C on the plus strand (A>G on the coding strand, the complement: DICER1 is on the minus strand). VCF-style: chr14-95108463-T-C. GRCh37 (hg19) VCF-style: chr14-95574800-T-C.
Other names: c.2297A>G, p.Gln766Arg (NM_001195573.1, NM_001271282.3, NM_001291628.2 and 1 more transcripts); short protein forms Q766R.
Identifiers: ClinVar variation 821022 (VCV000821022.15), dbSNP rs940468676, ClinGen allele CA265909890.
Genomic context (GRCh38, chr14:95,108,463, plus strand): 5'-TTGAGTTCATCAGGTAAAGGTGTAGTTAAAACCATTCCTATCACATACAGGTAACAGGGC[T>C]GATCAGGTCTGGGATAACTATCCCTCAAACACTCTGGAATCTAGAGTTGGAAAGGAAAAT-3'
Protein context (NP_803187.1, residues 756-776): CLRDSYPRPD[Gln766Arg]PCYLYVIGMV

ClinVar aggregate classification (germline): Uncertain significance. Review status: criteria provided, multiple submitters, no conflicts (2 of 4 stars). 3 submissions from 3 submitters: Uncertain significance (3). Last evaluated 2025-05-13.

Conditions:
DICER1-related tumor predisposition. Also called: DICER1-related pleuropulmonary blastoma cancer predisposition syndrome; DICER1 syndrome. Identifiers: Orphanet 284343, MedGen C3839822, MONDO:0100216.
Hereditary cancer-predisposing syndrome. Also called: Hereditary Cancer Syndrome; Neoplastic Syndromes, Hereditary; Hereditary neoplastic syndrome; Tumor predisposition. Identifiers: Orphanet 140162, MedGen C0027672, MeSH D009386, MONDO:0015356.
Global developmental delay - lung cysts - overgrowth - Wilms tumor syndrome. Also called: GLOBAL DEVELOPMENTAL DELAY, LUNG CYSTS, OVERGROWTH, AND WILMS TUMOR; GLOW Syndrome. Identifiers: Orphanet 404476, MedGen C4748924, MONDO:0018445, OMIM 618272.

Allele frequency attached by ClinVar (database versions not stated): gnomAD exomes below 0.00001; gnomAD 0.00001; TOPMed 0.00001.
gnomAD v4.1: 4 of 1,614,046 alleles (0.00025%); highest among the groups gnomAD compares: African/African-American, 0.004%; no homozygotes.

Submissions (3):

Labcorp Genetics (formerly Invitae), Labcorp
Classification: Uncertain significance for DICER1-related tumor predisposition. Last evaluated: 2025-05-13. Review status: criteria provided, single submitter. Criteria: Invitae Variant Classification Sherloc (09022015). Collection method: clinical testing. Allele origin: germline.
Comment: This sequence change replaces glutamine, which is neutral and polar, with arginine, which is basic and polar, at codon 766 of the DICER1 protein (p.Gln766Arg). This variant is present in population databases (no rsID available, gnomAD 0.01%). This variant has not been reported in the literature in individuals affected with DICER1-related conditions. ClinVar contains an entry for this variant (Variation ID: 821022). Invitae Evidence Modeling of protein sequence and biophysical properties (such as structural, functional, and spatial information, amino acid conservation, physicochemical variation, residue mobility, and thermodynamic stability) indicates that this missense variant is not expected to disrupt DICER1 protein function with a negative predictive value of 95%. In summary, the available evidence is currently insufficient to determine the role of this variant in disease. Therefore, it has been classified as a Variant of Uncertain Significance.

Baylor Genetics
Classification: Uncertain significance for Global developmental delay - lung cysts - overgrowth - Wilms tumor syndrome. Last evaluated: 2023-11-30. Review status: criteria provided, single submitter. Criteria: ACMG Guidelines, 2015. Collection method: clinical testing. Allele origin: unknown.

Ambry Genetics
Classification: Uncertain significance for Hereditary cancer-predisposing syndrome. Last evaluated: 2023-04-28. Review status: criteria provided, single submitter. Criteria: Ambry Variant Classification Scheme 2023. Collection method: clinical testing. Allele origin: germline.
Comment: The p.Q766R variant (also known as c.2297A>G), located in coding exon 14 of the DICER1 gene, results from an A to G substitution at nucleotide position 2297. The glutamine at codon 766 is replaced by arginine, an amino acid with highly similar properties. This amino acid position is highly conserved in available vertebrate species. In addition, the in silico prediction for this alteration is inconclusive. Since supporting evidence is limited at this time, the clinical significance of this alteration remains unclear.